The following is an entry in ClinVar:

NM_001048174.2(MUTYH):c.860A>T (p.Glu287Val)

Gene: MUTYH (mutY DNA glycosylase; minus strand). Cytogenetic location: 1p34.1.
Variant type: single nucleotide variant.
Coding change: c.860A>T on transcript NM_001048174.2 (MANE Select); coding-DNA position 860, A replaced by T.
Protein change: p.Glu287Val; replaces glutamic acid 287 with valine.
Molecular consequence: missense variant. On other transcripts: non-coding transcript variant (7).
Genome position (GRCh38, 1-based): chr1:45,332,076, T>A on the plus strand (A>T on the coding strand, the complement: MUTYH is on the minus strand). VCF-style: chr1-45332076-T-A. GRCh37 (hg19) VCF-style: chr1-45797748-T-A.
Other names: c.860A>T, p.Glu287Val (NM_001048171.2, NM_001048173.2, NM_001407081.1 and 6 more transcripts); c.863A>T, p.Glu288Val (NM_001048172.2, NM_001407078.1, NM_001407086.1 and 1 more transcripts); c.944A>T, p.Glu315Val (NM_001128425.2); c.905A>T, p.Glu302Val (NM_001293190.2); c.893A>T, p.Glu298Val (NM_001293191.2, NM_001407077.1, NM_001407069.1); c.584A>T, p.Glu195Val (NM_001293192.2, NM_001407091.1, NM_001293196.2); c.821A>T, p.Glu274Val (NM_001407079.1); c.818A>T, p.Glu273Val (NM_001407080.1); and 5 more; short protein forms E259V, E273V, E301V, E312V, E195V, E294V, E274V, E287V.
Identifiers: ClinVar variation 4113931 (VCV004113931.1).

ClinVar aggregate classification (germline): Uncertain significance (1 of 4 stars; one submission).

Conditions:
Hereditary cancer-predisposing syndrome. Also called: Hereditary neoplastic syndrome; Neoplastic Syndromes, Hereditary; Tumor predisposition; Hereditary Cancer Syndrome. Identifiers: Orphanet 140162, MedGen C0027672, MeSH D009386, MONDO:0015356.

Submission:

Ambry Genetics
Classification: Uncertain significance for Hereditary cancer-predisposing syndrome. Last evaluated: 2025-08-27. Review status: criteria provided, single submitter. Criteria: Ambry Variant Classification Scheme 2023. Collection method: clinical testing. Allele origin: germline.
Comment: The p.E315V variant (also known as c.944A>T), located in coding exon 11 of the MUTYH gene, results from an A to T substitution at nucleotide position 944. The glutamic acid at codon 315 is replaced by valine, an amino acid with dissimilar properties. This amino acid position is conserved. In addition, this alteration is predicted to be tolerated by in silico analysis. Based on the available evidence, the clinical significance of this variant remains unclear.